The following is an entry in ClinVar:

ClinVar aggregate classification (germline): Uncertain significance (1 of 4 stars; one submission).

Conditions:
Primary familial hypertrophic cardiomyopathy (HCM). Identifiers: Orphanet 99739, MedGen C0949658, MeSH D024741, MONDO:0024573. Inheritance: Various modes of inheritance.
Dilated cardiomyopathy 1AA (CMD1AA). Also called: Cardiomyopathy, dilated, 1AA, with or without LVNC; CARDIOMYOPATHY, DILATED, 1AA, WITH OR WITHOUT LEFT VENTRICULAR NONCOMPACTION; CARDIOMYOPATHY, FAMILIAL HYPERTROPHIC, 23, WITH OR WITHOUT LEFT VENTRICULAR NONCOMPACTION. Identifiers: Orphanet 154, MedGen C2677338, MONDO:0012808, OMIM 612158.

Submission:

Labcorp Genetics (formerly Invitae), Labcorp
Classification: Uncertain significance for Primary familial hypertrophic cardiomyopathy; Dilated cardiomyopathy 1AA. Last evaluated: 2025-06-20. Review status: criteria provided, single submitter. Criteria: Invitae Variant Classification Sherloc (09022015). Collection method: clinical testing. Allele origin: germline.
Comment: This sequence change replaces glutamic acid, which is acidic and polar, with glycine, which is neutral and non-polar, at codon 149 of the ACTN2 protein (p.Glu149Gly). This variant is not present in population databases (gnomAD no frequency). This variant has not been reported in the literature in individuals affected with ACTN2-related conditions. ClinVar contains an entry for this variant (Variation ID: 2939694). An algorithm developed to predict the effect of missense changes on protein structure and function (PolyPhen-2) suggests that this variant is likely to be tolerated. In summary, the available evidence is currently insufficient to determine the role of this variant in disease. Therefore, it has been classified as a Variant of Uncertain Significance.

NM_001103.4(ACTN2):c.446A>G (p.Glu149Gly)

Gene: ACTN2 (actinin alpha 2; plus strand). Cytogenetic location: 1q43.
Variant type: single nucleotide variant.
Coding change: c.446A>G on transcript NM_001103.4 (MANE Select); coding-DNA position 446, A replaced by G.
Protein change: p.Glu149Gly; replaces glutamic acid 149 with glycine.
Molecular consequence: missense variant. On other transcripts: non-coding transcript variant (1).
Genome position (GRCh38, 1-based): chr1:236,720,189, A>G. VCF-style: chr1-236720189-A-G. GRCh37 (hg19) VCF-style: chr1-236883489-A-G.
Other names: c.446A>G, p.Glu149Gly (NM_001278343.2); c.-376A>G (NM_001278344.2); c.-501A>G (NM_001412150.1); short protein forms E149G.
Identifiers: ClinVar variation 2939694 (VCV002939694.3), dbSNP rs2527543221, ClinGen allele CA345374226.
Genomic context (GRCh38, chr1:236,720,189, plus strand): 5'-TGACCCTGGGTATGATCTGGACCATCATCCTTCGCTTTGCTATTCAGGATATTTCGGTTG[A>G]AGGTAAAAGACATGGTTAAAAGTCTAATTGTATAATCTGTAAATTGAGCTTGTGAATTAA-3'
Protein context (NP_001094.1, residues 139-159): LRFAIQDISV[Glu149Gly]ETSAKEGLLL